The following is an entry in ClinVar:

NM_003238.6(TGFB2):c.982A>G (p.Arg328Gly)

Gene: TGFB2 (transforming growth factor beta 2; plus strand). Cytogenetic location: 1q41.
Variant type: single nucleotide variant.
Coding change: c.982A>G on transcript NM_003238.6 (MANE Select); coding-DNA position 982, A replaced by G.
Protein change: p.Arg328Gly; replaces arginine 328 with glycine.
Molecular consequence: missense variant. On other transcripts: non-coding transcript variant (2).
Genome position (GRCh38, 1-based): chr1:218,437,392, A>G. VCF-style: chr1-218437392-A-G. GRCh37 (hg19) VCF-style: chr1-218610734-A-G.
Other names: c.1066A>G, p.Arg356Gly (NM_001135599.4); short protein forms R356G, R328G.
Identifiers: ClinVar variation 1499764 (VCV001499764.6), dbSNP rs2102630044, ClinGen allele CA344727497.
Genomic context (GRCh38, chr1:218,437,392, plus strand): 5'-TTTTTTAACAGAAATGTGCAGGATAATTGCTGCCTACGTCCACTTTACATTGATTTCAAG[A>G]GGGATCTAGGGTGGAAATGGATACACGAACCCAAAGGGTACAATGCCAACTTCTGTGCTG-3'
Protein context (NP_003229.1, residues 318-338): CLRPLYIDFK[Arg328Gly]DLGWKWIHEP

ClinVar aggregate classification (germline): Uncertain significance (1 of 4 stars; one submission).

Conditions:
Loeys-Dietz syndrome 4 (LDS4). Also called: ANEURYSM, AORTIC AND CEREBRAL, WITH ARTERIAL TORTUOSITY AND SKELETAL MANIFESTATIONS; TGFB2-Related Loeys-Dietz Syndrome. Identifiers: MedGen C3553762, MONDO:0013897, OMIM 614816.

Submission:

Labcorp Genetics (formerly Invitae), Labcorp
Classification: Uncertain significance for Loeys-Dietz syndrome 4. Last evaluated: 2021-10-27. Review status: criteria provided, single submitter. Criteria: Invitae Variant Classification Sherloc (09022015). Collection method: clinical testing. Allele origin: germline.
Comment: This sequence change replaces arginine, a(n) basic and polar amino acid, with glycine, a(n) neutral and non-polar amino acid, at codon 328 of the TGFB2 protein (p.Arg328Gly). This variant is not present in population databases (gnomAD no frequency). This variant has not been reported in the literature in individuals affected with TGFB2-related conditions. Advanced modeling of protein sequence and biophysical properties (such as structural, functional, and spatial information, amino acid conservation, physicochemical variation, residue mobility, and thermodynamic stability) performed at Invitae indicates that this missense variant is not expected to disrupt TGFB2 protein function. In summary, the available evidence is currently insufficient to determine the role of this variant in disease. Therefore, it has been classified as a Variant of Uncertain Significance.